The following is an entry in ClinVar:

ClinVar aggregate classification (germline): Uncertain significance (1 of 4 stars; one submission).

Conditions:
Beckwith-Wiedemann syndrome (BWS). Also called: Exomphalos macroglossia gigantism syndrome; EMG SYNDROME. Identifiers: Orphanet 116, MedGen C0004903, MONDO:0007534, OMIM 130650.

Submission:

Labcorp Genetics (formerly Invitae), Labcorp
Classification: Uncertain significance for Beckwith-Wiedemann syndrome. Last evaluated: 2025-04-10. Review status: criteria provided, single submitter. Criteria: Invitae Variant Classification Sherloc (09022015). Collection method: clinical testing. Allele origin: germline.
Comment: This sequence change replaces serine, which is neutral and polar, with arginine, which is basic and polar, at codon 116 of the CDKN1C protein (p.Ser116Arg). This variant is not present in population databases (gnomAD no frequency). This variant has not been reported in the literature in individuals affected with CDKN1C-related conditions. Invitae Evidence Modeling of protein sequence and biophysical properties (such as structural, functional, and spatial information, amino acid conservation, physicochemical variation, residue mobility, and thermodynamic stability) indicates that this missense variant is not expected to disrupt CDKN1C protein function with a negative predictive value of 80%. In summary, the available evidence is currently insufficient to determine the role of this variant in disease. Therefore, it has been classified as a Variant of Uncertain Significance.

NM_001122630.2(CDKN1C):c.315C>G (p.Ser105Arg)

Gene: CDKN1C (cyclin dependent kinase inhibitor 1C; minus strand). Cytogenetic location: 11p15.4.
Variant type: single nucleotide variant.
Coding change: c.315C>G on transcript NM_001122630.2 (MANE Select); coding-DNA position 315, C replaced by G.
Protein change: p.Ser105Arg; replaces serine 105 with arginine.
Molecular consequence: missense variant. On other transcripts: intron variant (1).
Genome position (GRCh38, 1-based): chr11:2,885,142, G>C on the plus strand (C>G on the coding strand, the complement: CDKN1C is on the minus strand). VCF-style: chr11-2885142-G-C. GRCh37 (hg19) VCF-style: chr11-2906372-G-C.
Other names: c.348C>G, p.Ser116Arg (NM_000076.2, NM_001362474.2); c.315C>G, p.Ser105Arg (NM_001122631.2); c.255+60C>G (NM_001362475.2); short protein forms S116R, S105R.
Identifiers: ClinVar variation 4746627 (VCV004746627.1).